The following is an entry in ClinVar:

ClinVar aggregate classification (germline): Likely pathogenic. Review status: criteria provided, multiple submitters, no conflicts (2 of 4 stars). 2 submissions from 2 submitters: Likely pathogenic (2). Last evaluated 2023-06-30.

Conditions:
Galactosylceramide beta-galactosidase deficiency. Also called: Leukodystrophy, Globoid Cell; Krabbe Disease; GALACTOCEREBROSIDASE DEFICIENCY; GALC DEFICIENCY; GLOBOID CELL LEUKOENCEPHALOPATHY. Identifiers: Orphanet 487, MedGen C0023521, MONDO:0009499, OMIM 245200.
GALC-related disorders.

Allele frequency attached by ClinVar (database versions not stated): gnomAD exomes below 0.00001; ExAC 0.00001.
gnomAD v4.1: 3 of 1,613,668 alleles (0.00019%); highest among the groups gnomAD compares: Non-Finnish European, 0.00025%; no homozygotes.

Submissions (2):

Blueprint Genetics
Classification: Likely pathogenic for GALC-related disorders. Last evaluated: 2023-06-30. Review status: criteria provided, single submitter. Criteria: ACMG Guidelines, 2015. Collection method: clinical testing. Allele origin: germline. Affected: yes. Observed: 1 variant allele.

Labcorp Genetics (formerly Invitae), Labcorp
Classification: Likely pathogenic for Galactosylceramide beta-galactosidase deficiency. Last evaluated: 2023-02-26. Review status: criteria provided, single submitter. Criteria: Invitae Variant Classification Sherloc (09022015). Collection method: clinical testing. Allele origin: germline.
Comment: This missense change has been observed in individual(s) with Krabbe disease (PMID: 30777126). Advanced modeling of protein sequence and biophysical properties (such as structural, functional, and spatial information, amino acid conservation, physicochemical variation, residue mobility, and thermodynamic stability) performed at Invitae indicates that this missense variant is expected to disrupt GALC protein function. This sequence change replaces glycine, which is neutral and non-polar, with arginine, which is basic and polar, at codon 106 of the GALC protein (p.Gly106Arg). This variant is present in population databases (rs749615956, gnomAD 0.0009%). Algorithms developed to predict the effect of sequence changes on RNA splicing suggest that this variant may disrupt the consensus splice site. In summary, the currently available evidence indicates that the variant is pathogenic, but additional data are needed to prove that conclusively. Therefore, this variant has been classified as Likely Pathogenic.

Literature cited by the submitters: PubMed 30777126 (cited by Labcorp Genetics (formerly Invitae), Labcorp).

NM_000153.4(GALC):c.316G>A (p.Gly106Arg)

Gene: GALC (galactosylceramidase; minus strand). Cytogenetic location: 14q31.3.
Variant type: single nucleotide variant.
Coding change: c.316G>A on transcript NM_000153.4 (MANE Select); coding-DNA position 316, G replaced by A.
Protein change: p.Gly106Arg; replaces glycine 106 with arginine.
Molecular consequence: missense variant. On other transcripts: 5 prime UTR variant (4), non-coding transcript variant (1).
Genome position (GRCh38, 1-based): chr14:87,988,156, C>T on the plus strand (G>A on the coding strand, the complement: GALC is on the minus strand). VCF-style: chr14-87988156-C-T. GRCh37 (hg19) VCF-style: chr14-88454500-C-T.
Other names: c.247G>A, p.Gly83Arg (NM_001201401.2); c.238G>A, p.Gly80Arg (NM_001201402.2); c.148G>A, p.Gly50Arg (NM_001424071.1, NM_001424072.1, NM_001424073.1); c.-33G>A (NM_001424074.1); c.-121G>A (NM_001424075.1); c.-352G>A (NM_001424076.1, NM_001424077.1); short protein forms G50R, G83R, G106R, G80R.
Identifiers: ClinVar variation 2741033 (VCV002741033.4), dbSNP rs749615956, ClinGen allele CA7297436.